The following is an entry in ClinVar:

NM_000540.3(RYR1):c.3820C>T (p.Arg1274Cys)

Gene: RYR1 (ryanodine receptor 1; plus strand). Cytogenetic location: 19q13.2.
Variant type: single nucleotide variant.
Coding change: c.3820C>T on transcript NM_000540.3 (MANE Select); coding-DNA position 3820, C replaced by T.
Protein change: p.Arg1274Cys; replaces arginine 1274 with cysteine.
Molecular consequence: missense variant.
Genome position (GRCh38, 1-based): chr19:38,473,431, C>T. VCF-style: chr19-38473431-C-T. GRCh37 (hg19) VCF-style: chr19-38964071-C-T.
Other names: c.3820C>T, p.Arg1274Cys (NM_001042723.2); short protein forms R1274C.
Identifiers: ClinVar variation 4536379 (VCV004536379.1).

ClinVar aggregate classification (germline): Uncertain significance (1 of 4 stars; one submission).

gnomAD v4.1: 2 of 1,613,966 alleles (0.00012%); highest among the groups gnomAD compares: South Asian, 0.0011%; no homozygotes.

Submission:

GeneDx
Classification: Uncertain significance. Last evaluated: 2025-06-04. Review status: criteria provided, single submitter. Criteria: GeneDx Variant Classification Process June 2021. Collection method: clinical testing. Allele origin: germline. Affected: yes.
Comment: Not observed at significant frequency in large population cohorts (gnomAD); In silico analysis supports that this missense variant has a deleterious effect on protein structure/function; Has not been previously published as pathogenic or benign to our knowledge